The following is an entry in ClinVar:

ClinVar aggregate classification (germline): Uncertain significance (1 of 4 stars; one submission).

Conditions:
Inborn genetic diseases. Identifiers: MedGen C0950123, MeSH D030342.

Submission:

Ambry Genetics
Classification: Uncertain significance for Hereditary disease. Last evaluated: 2016-11-10. Review status: criteria provided, single submitter. Criteria: ambry_reporting_categories_2017. Collection method: clinical testing. Allele origin: germline. Affected: yes. Observed: 1 heterozygote. Segregation with disease observed.
Comment: Lines of evidence used in support of classification: UNCERTAIN: Alteration(s) of Uncertain Clinical Significance Detected

Literature cited by the submitters: PubMed 23518707; PubMed 23418287; PubMed 24105469; PubMed 11717165; PubMed 22335739; PubMed 10462489; PubMed 21810661; PubMed 12669942; PubMed 21617319; PubMed 18948003; PubMed 1745277; PubMed 24395473; PubMed 12145747; PubMed 17444505.

NM_001267550.2(TTN):c.80817T>G (p.Ile26939Met)

Genes: TTN (titin; minus strand), TTN-AS1 (TTN antisense RNA 1; plus strand). Cytogenetic location: 2q31.2.
Variant type: single nucleotide variant.
Coding change: c.80817T>G on transcript NM_001267550.2 (MANE Select); coding-DNA position 80817, T replaced by G.
Protein change: p.Ile26939Met; replaces isoleucine 26939 with methionine.
Molecular consequence: missense variant.
Genome position (GRCh38, 1-based): chr2:178,565,315, A>C on the plus strand (T>G on the coding strand, the complement: TTN is on the minus strand). VCF-style: chr2-178565315-A-C. GRCh37 (hg19) VCF-style: chr2-179430042-A-C.
Other names: c.75894T>G, p.Ile25298Met (NM_001256850.1); c.53622T>G, p.Ile17874Met (NM_003319.4); c.73113T>G, p.Ile24371Met (NM_133378.4); c.53997T>G, p.Ile17999Met (NM_133432.3); c.54198T>G, p.Ile18066Met (NM_133437.4); short protein forms I17874M, I26939M, I25298M, I17999M, I24371M, I18066M.
Identifiers: ClinVar variation 521302 (VCV000521302.3), dbSNP rs758285371, ClinGen allele CA349585915.